The following is an entry in ClinVar:

NM_181882.3(PRX):c.3890A>G (p.Glu1297Gly)

Gene: PRX (periaxin; minus strand). Cytogenetic location: 19q13.2.
Variant type: single nucleotide variant.
Coding change: c.3890A>G on transcript NM_181882.3 (MANE Select); coding-DNA position 3890, A replaced by G.
Protein change: p.Glu1297Gly; replaces glutamic acid 1297 with glycine.
Molecular consequence: missense variant. On other transcripts: 3 prime UTR variant (1).
Genome position (GRCh38, 1-based): chr19:40,394,462, T>C on the plus strand (A>G on the coding strand, the complement: PRX is on the minus strand). VCF-style: chr19-40394462-T-C. GRCh37 (hg19) VCF-style: chr19-40900369-T-C.
Other names: c.*4095A>G (NM_020956.2); short protein forms E1297G.
Identifiers: ClinVar variation 1383431 (VCV001383431.6), dbSNP rs2049353803, ClinGen allele CA405891765.
Genomic context (GRCh38, chr19:40,394,462, plus strand): 5'-TTGGCCCGCACCAGGCCAAACCGGGGCAGCCGTACCTTGAGCTTGTGTCCGGCCTCTCCC[T>C]CCCCCTCTGCCACCTGGTACTCGGCATGGTTGCCCCCGGATGGCGAGAGCTCCACGTCGG-3'
Protein context (NP_870998.2, residues 1287-1307): NHAEYQVAEG[Glu1297Gly]GEAGHKLKVR

ClinVar aggregate classification (germline): Uncertain significance (1 of 4 stars; one submission).

Conditions:
Charcot-Marie-Tooth disease type 4. Also called: Charcot-Marie-Tooth, Type 4; Charcot-Marie-Tooth disease, type IV. Identifiers: Orphanet 64749, MedGen C4082197, MONDO:0018995.

Allele frequency attached by ClinVar (database versions not stated): gnomAD exomes below 0.00001; TOPMed below 0.00001.
gnomAD v4.1: 1 of 1,599,764 alleles (0.000063%); no homozygotes.

Submission:

Labcorp Genetics (formerly Invitae), Labcorp
Classification: Uncertain significance for Charcot-Marie-Tooth disease type 4. Last evaluated: 2021-08-31. Review status: criteria provided, single submitter. Criteria: Invitae Variant Classification Sherloc (09022015). Collection method: clinical testing. Allele origin: germline.
Comment: In summary, the available evidence is currently insufficient to determine the role of this variant in disease. Therefore, it has been classified as a Variant of Uncertain Significance. Algorithms developed to predict the effect of missense changes on protein structure and function output the following: SIFT: "Deleterious"; PolyPhen-2: "Possibly Damaging"; Align-GVGD: "Class C0". The glycine amino acid residue is found in multiple mammalian species, which suggests that this missense change does not adversely affect protein function. This variant has not been reported in the literature in individuals affected with PRX-related conditions. This variant is not present in population databases (ExAC no frequency). This sequence change replaces glutamic acid with glycine at codon 1297 of the PRX protein (p.Glu1297Gly). The glutamic acid residue is weakly conserved and there is a moderate physicochemical difference between glutamic acid and glycine.